The following is an entry in ClinVar:

NM_001005242.3(PKP2):c.795G>T (p.Gly265=)

Gene: PKP2 (plakophilin 2; minus strand). Cytogenetic location: 12p11.21.
Variant type: single nucleotide variant.
Coding change: c.795G>T on transcript NM_001005242.3 (MANE Select); coding-DNA position 795, G replaced by T.
Protein change: p.Gly265=; no amino-acid change (glycine 265 retained).
Molecular consequence: synonymous variant.
Genome position (GRCh38, 1-based): chr12:32,878,085, C>A on the plus strand (G>T on the coding strand, the complement: PKP2 is on the minus strand). VCF-style: chr12-32878085-C-A. GRCh37 (hg19) VCF-style: chr12-33031019-C-A.
Other names: p.Gly265=; c.795G>T, p.Gly265= (NM_004572.4).
Identifiers: ClinVar variation 227851 (VCV000227851.61), dbSNP rs375268778, ClinGen allele CA038815.

ClinVar aggregate classification (germline): Conflicting classifications of pathogenicity. Review status: criteria provided, conflicting classifications (1 of 4 stars). 9 submissions from 9 submitters: Uncertain significance (1); Likely benign (8). Last evaluated 2026-01-05.

Conditions:
Cardiovascular phenotype. Identifiers: MedGen CN230736.
Cardiomyopathy (CMYO). Also called: Cardiomyopathies. Identifiers: Orphanet 167848, MedGen C0878544, MONDO:0004994, HP:0001638. Inheritance: Various modes of inheritance.
Arrhythmogenic right ventricular dysplasia 9 (ARVD9). Also called: Arrhythmogenic Right Ventricular Dysplasia/Cardiomyopathy 9; ARRHYTHMOGENIC RIGHT VENTRICULAR DYSPLASIA, FAMILIAL, 9. Identifiers: MedGen C1836906, MONDO:0012180, OMIM 609040.

Allele frequency attached by ClinVar (database versions not stated): ExAC 0.00007; gnomAD 0.00007; ESP Exome Variant Server 0.00008; gnomAD exomes 0.00009; TOPMed 0.00014.
gnomAD v4.1: 177 of 1,613,996 alleles (0.011%); highest among the groups gnomAD compares: Non-Finnish European, 0.014%; no homozygotes.

Submissions (9):

Labcorp Genetics (formerly Invitae), Labcorp
Classification: Likely benign for Arrhythmogenic right ventricular dysplasia 9. Last evaluated: 2026-01-05. Review status: criteria provided, single submitter. Criteria: Invitae Variant Classification Sherloc (09022015). Collection method: clinical testing. Allele origin: germline.

Mayo Clinic Laboratories, Mayo Clinic
Classification: Likely benign. Last evaluated: 2025-10-08. Review status: criteria provided, single submitter. Criteria: ACMG Guidelines, 2015. Collection method: clinical testing. Allele origin: germline. Observed: 1 variant allele.
Comment: BP4, BP7

Blueprint Genetics
Classification: Likely benign. Last evaluated: 2024-10-17. Review status: criteria provided, single submitter. Criteria: ACMG Guidelines, 2015. Collection method: clinical testing. Allele origin: germline.

CeGaT Center for Human Genetics Tuebingen
Classification: Likely benign. Last evaluated: 2021-08-01. Review status: criteria provided, single submitter. Criteria: CeGaT Center For Human Genetics Tuebingen Variant Classification Criteria Version 2. Collection method: clinical testing. Allele origin: germline. Affected: yes. Observed: 1 variant allele.

GeneDx
Classification: Likely benign. Last evaluated: 2019-01-29. Review status: criteria provided, single submitter. Criteria: GeneDx Variant Classification Process June 2021. Collection method: clinical testing. Allele origin: germline. Affected: yes.

Ambry Genetics
Classification: Likely benign for Cardiovascular phenotype. Last evaluated: 2018-11-20. Review status: criteria provided, single submitter. Criteria: Ambry Variant Classification Scheme 2023. Collection method: clinical testing. Allele origin: germline.

Color Diagnostics, LLC DBA Color Health
Classification: Likely benign for Cardiomyopathy. Last evaluated: 2018-10-18. Review status: criteria provided, single submitter. Criteria: ACMG Guidelines, 2015. Collection method: clinical testing. Allele origin: germline.

Illumina Laboratory Services, Illumina
Classification: Uncertain significance for Arrhythmogenic right ventricular dysplasia 9. Last evaluated: 2017-04-27. Review status: criteria provided, single submitter. Criteria: ICSL Variant Classification Criteria 13 December 2019. Collection method: clinical testing. Allele origin: germline.

Laboratory for Molecular Medicine, Mass General Brigham Personalized Medicine
Classification: Likely benign. Last evaluated: 2015-12-04. Review status: criteria provided, single submitter. Criteria: LMM Criteria. Collection method: clinical testing. Allele origin: germline. Observed: 1 variant allele.
Comment: p.Gly265Gly in exon 03 of PKP2: This variant is not expected to have clinical si gnificance because it does not alter an amino acid residue and is not located wi thin the splice consensus sequence. It has been identified in 7/66600 European chromosomes by the Exome Aggregation Consortium (ExAC; dbSNP rs375268778).